The following is an entry in ClinVar:

NM_000312.4(PROC):c.1074C>A (p.Phe358Leu)

Gene: PROC (protein C, inactivator of coagulation factors Va and VIIIa; plus strand). Cytogenetic location: 2q14.3.
Variant type: single nucleotide variant.
Coding change: c.1074C>A on transcript NM_000312.4 (MANE Select); coding-DNA position 1074, C replaced by A.
Protein change: p.Phe358Leu; replaces phenylalanine 358 with leucine.
Molecular consequence: missense variant.
Genome position (GRCh38, 1-based): chr2:127,428,634, C>A. VCF-style: chr2-127428634-C-A. GRCh37 (hg19) VCF-style: chr2-128186210-C-A.
Other names: c.1257C>A, p.Phe419Leu (NM_001375602.1); c.1239C>A, p.Phe413Leu (NM_001375603.1); c.1137C>A, p.Phe379Leu (NM_001375604.1); c.1176C>A, p.Phe392Leu (NM_001375605.1); c.1242C>A, p.Phe414Leu (NM_001375606.1); c.1260C>A, p.Phe420Leu (NM_001375607.1); c.1017C>A, p.Phe339Leu (NM_001375608.1); c.1050C>A, p.Phe350Leu (NM_001375609.1); and 2 more; short protein forms F350L, F414L, F419L, F356L, F379L, F413L, F420L, F339L.
Identifiers: ClinVar variation 858029 (VCV000858029.9), dbSNP rs769300513, ClinGen allele CA55351063.

ClinVar aggregate classification (germline): Uncertain significance (1 of 4 stars; one submission).

Conditions:
Thrombophilia due to protein C deficiency, autosomal dominant. Also called: PROC DEFICIENCY, AUTOSOMAL DOMINANT; PROTEIN C DEFICIENCY, AUTOSOMAL DOMINANT. Identifiers: Orphanet 745, MedGen C2674321, MONDO:0008316, OMIM 176860. Disease mechanism: loss of function.

Allele frequency attached by ClinVar (database versions not stated): TOPMed 0.00001.
gnomAD v4.1: 2 of 1,613,978 alleles (0.00012%); highest among the groups gnomAD compares: Non-Finnish European, 0.00017%; no homozygotes.

Submission:

Labcorp Genetics (formerly Invitae), Labcorp
Classification: Uncertain significance for Thrombophilia due to protein C deficiency, autosomal dominant. Last evaluated: 2019-04-29. Review status: criteria provided, single submitter. Criteria: Invitae Variant Classification Sherloc (09022015). Collection method: clinical testing. Allele origin: germline.
Comment: This sequence change replaces phenylalanine with leucine at codon 358 of the PROC protein (p.Phe358Leu). The phenylalanine residue is moderately conserved and there is a small physicochemical difference between phenylalanine and leucine. In summary, the available evidence is currently insufficient to determine the role of this variant in disease. Therefore, it has been classified as a Variant of Uncertain Significance. Algorithms developed to predict the effect of missense changes on protein structure and function (SIFT, PolyPhen-2, Align-GVGD) all suggest that this variant is likely to be tolerated, but these predictions have not been confirmed by published functional studies and their clinical significance is uncertain. This variant has not been reported in the literature in individuals with PROC-related conditions. This variant is not present in population databases (ExAC no frequency).